The following is an entry in ClinVar:

NM_014319.5(LEMD3):c.1205C>G (p.Ser402Cys)

Gene: LEMD3 (LEM domain containing 3; plus strand). Cytogenetic location: 12q14.3.
Variant type: single nucleotide variant.
Coding change: c.1205C>G on transcript NM_014319.5 (MANE Select); coding-DNA position 1205, C replaced by G.
Protein change: p.Ser402Cys; replaces serine 402 with cysteine.
Molecular consequence: missense variant.
Genome position (GRCh38, 1-based): chr12:65,170,801, C>G. VCF-style: chr12-65170801-C-G. GRCh37 (hg19) VCF-style: chr12-65564581-C-G.
Other names: c.1205C>G, p.Ser402Cys (NM_001167614.2); short protein forms S402C.
Identifiers: ClinVar variation 2871065 (VCV002871065.3), dbSNP rs139346096, ClinGen allele CA385675248.

ClinVar aggregate classification (germline): Uncertain significance (1 of 4 stars; one submission).

gnomAD v4.1: 4 of 1,614,132 alleles (0.00025%); highest among the groups gnomAD compares: East Asian, 0.0022%; no homozygotes.

Submission:

Labcorp Genetics (formerly Invitae), Labcorp
Classification: Uncertain significance. Last evaluated: 2023-12-19. Review status: criteria provided, single submitter. Criteria: Invitae Variant Classification Sherloc (09022015). Collection method: clinical testing. Allele origin: germline.
Comment: This sequence change replaces serine, which is neutral and polar, with cysteine, which is neutral and slightly polar, at codon 402 of the LEMD3 protein (p.Ser402Cys). This variant is present in population databases (no rsID available, gnomAD 0.003%). This variant has not been reported in the literature in individuals affected with LEMD3-related conditions. Advanced modeling of protein sequence and biophysical properties (such as structural, functional, and spatial information, amino acid conservation, physicochemical variation, residue mobility, and thermodynamic stability) performed at Invitae indicates that this missense variant is not expected to disrupt LEMD3 protein function with a negative predictive value of 80%. In summary, the available evidence is currently insufficient to determine the role of this variant in disease. Therefore, it has been classified as a Variant of Uncertain Significance.